The following is an entry in ClinVar:

NM_001164277.2(SLC37A4):c.1035dup (p.Ile346fs)

Gene: SLC37A4 (solute carrier family 37 member 4; minus strand). Cytogenetic location: 11q23.3.
Variant type: Duplication.
Coding change: c.1035dup on transcript NM_001164277.2 (MANE Select); coding-DNA position 1035, one base duplicated (C; older notation c.1035dupC).
Protein change: p.Ile346fs; shifts the reading frame from isoleucine 346.
Molecular consequence: frameshift variant.
Genome position (GRCh38, 1-based): chr11:119,025,279, G duplicated on the plus strand (C on the coding strand, the reverse complement: SLC37A4 is on the minus strand); the first of 4 consecutive G bases (chr11:119,025,279-119,025,282); duplicating any one gives the same sequence. VCF-style (leftmost placement, unchanged base first): chr11-119025278-T-TG. GRCh37 (hg19) VCF-style: chr11-118895988-T-TG.
Other names: c.1101dup, p.Ile368fs (NM_001164278.2); c.816dup, p.Ile273fs (NM_001164279.2); c.1035dup, p.Ile346fs (NM_001164280.2, NM_001467.6); c.1035dupC (NM_001164277.1); short protein forms I273fs, I346fs, I368fs.
Identifiers: ClinVar variation 2633101 (VCV002633101.1), dbSNP rs2497012205, ClinGen allele CA2695199034.

ClinVar aggregate classification (germline): Pathogenic (1 of 4 stars; one submission).

Conditions:
SLC37A4-related disorder. Also called: SLC37A4-related condition.

Submission:

PreventionGenetics, part of Exact Sciences
Classification: Pathogenic for SLC37A4-related condition. Last evaluated: 2023-05-11. Review status: criteria provided, single submitter. Criteria: ACMG Guidelines, 2015. Collection method: clinical testing. Allele origin: germline.
Comment: The SLC37A4 c.1035dupC variant is predicted to result in a frameshift and premature protein termination (p.Ile346Hisfs*56). This variant, reported as c.1205insC along with another loss function variant in SLC37A4, was reported in an individual with glycogen storage disease type Ib (Veiga-da-Cunha et al 1998. PubMed ID: 9758626). This variant has not been reported in a large population database, indicating this variant is rare. Frameshift variants in SLC37A4 are expected to be pathogenic. This variant is interpreted as pathogenic.